The following is an entry in ClinVar:

ClinVar aggregate classification (germline): Uncertain significance (1 of 4 stars; one submission).

Submission:

GeneDx
Classification: Uncertain significance. Last evaluated: 2022-10-31. Review status: criteria provided, single submitter. Criteria: GeneDx Variant Classification Process June 2021. Collection method: clinical testing. Allele origin: germline. Affected: yes.
Comment: Not observed at significant frequency in large population cohorts (gnomAD); In silico analysis supports that this missense variant has a deleterious effect on protein structure/function; Has not been previously published as pathogenic or benign to our knowledge

NM_016077.5(PTRH2):c.242A>G (p.Lys81Arg)

Gene: PTRH2 (peptidyl-tRNA hydrolase 2; minus strand). Cytogenetic location: 17q23.1.
Variant type: single nucleotide variant.
Coding change: c.242A>G on transcript NM_016077.5 (MANE Select); coding-DNA position 242, A replaced by G.
Protein change: p.Lys81Arg; replaces lysine 81 with arginine.
Molecular consequence: missense variant.
Genome position (GRCh38, 1-based): chr17:59,697,737, T>C on the plus strand (A>G on the coding strand, the complement: PTRH2 is on the minus strand). VCF-style: chr17-59697737-T-C. GRCh37 (hg19) VCF-style: chr17-57775098-T-C.
Other names: c.245A>G, p.Lys82Arg (NM_001015509.3); short protein forms K81R, K82R.
Identifiers: ClinVar variation 2500557 (VCV002500557.1), dbSNP rs2509177824, ClinGen allele CA400429795.